The following is an entry in ClinVar:

NM_001358235.2(DCHS2):c.2191G>A (p.Asp731Asn)

Gene: DCHS2 (dachsous cadherin-related 2; minus strand). Cytogenetic location: 4q31.3.
Variant type: single nucleotide variant.
Coding change: c.2191G>A on transcript NM_001358235.2 (MANE Select); coding-DNA position 2191, G replaced by A.
Protein change: p.Asp731Asn; replaces aspartic acid 731 with asparagine.
Molecular consequence: missense variant.
Genome position (GRCh38, 1-based): chr4:154,377,306, C>T on the plus strand (G>A on the coding strand, the complement: DCHS2 is on the minus strand). VCF-style: chr4-154377306-C-T. GRCh37 (hg19) VCF-style: chr4-155298458-C-T.
Other names: c.2191G>A, p.Asp731Asn (NM_001142552.2, NM_001412223.1); short protein forms D731N.
Identifiers: ClinVar variation 3037291 (VCV003037291.2), dbSNP rs376441129, ClinGen allele CA3113621.

ClinVar aggregate classification (germline): Benign (0 of 4 stars; one submission).

Conditions:
DCHS2-related disorder. Also called: DCHS2-related condition.

Allele frequency attached by ClinVar (database versions not stated): gnomAD 0.00060; 1000 Genomes Project 30x 0.00265; 1000 Genomes Project 0.00280.
gnomAD v4.1: 1,473 of 1,613,640 alleles (0.091%); highest among the groups gnomAD compares: South Asian, 1.5%; 22 homozygotes.

Submission:

PreventionGenetics, part of Exact Sciences
Classification: Benign for DCHS2-related condition. Last evaluated: 2019-05-17. Review status: no assertion criteria provided. Collection method: clinical testing. Allele origin: germline.
Comment: This variant is classified as benign based on ACMG/AMP sequence variant interpretation guidelines (Richards et al. 2015 PMID: 25741868, with internal and published modifications).